The following is an entry in ClinVar:

NM_000334.4(SCN4A):c.4352G>T (p.Arg1451Leu)

Genes: SCN4A (sodium voltage-gated channel alpha subunit 4; minus strand), GH-LCR (growth hormone locus control region; plus strand). Cytogenetic location: 17q23.3.
Variant type: single nucleotide variant.
Coding change: c.4352G>T on transcript NM_000334.4 (MANE Select); coding-DNA position 4352, G replaced by T.
Protein change: p.Arg1451Leu; replaces arginine 1451 with leucine.
Molecular consequence: missense variant.
Genome position (GRCh38, 1-based): chr17:63,941,930, C>A on the plus strand (G>T on the coding strand, the complement: SCN4A is on the minus strand). VCF-style: chr17-63941930-C-A. GRCh37 (hg19) VCF-style: chr17-62019290-C-A.
Other names: short protein forms R1451L.
Identifiers: ClinVar variation 3382810 (VCV003382810.2).

ClinVar aggregate classification (germline): Uncertain significance (1 of 4 stars; one submission).

Conditions:
Hypokalemic periodic paralysis, type 2 (HOKPP2). Identifiers: Orphanet 681, MedGen C2750061, MONDO:0013234, OMIM 613345.

gnomAD v4.1: 1 of 1,608,578 alleles (0.000062%); highest among the groups gnomAD compares: East Asian, 0.0022%; no homozygotes.

Submission:

Juno Genomics, Hangzhou Juno Genomics, Inc
Classification: Uncertain significance for Hypokalemic periodic paralysis, type 2. Review status: criteria provided, single submitter. Criteria: ACMG Guidelines, 2015. Collection method: clinical testing. Allele origin: germline. Affected: yes.
Comment: Absent from controls (or at extremely low frequency if recessive) in Genome Aggregation Database, Exome Sequencing Project, 1000 Genomes Project, or Exome Aggregation Consortium.;Multiple lines of computational evidence support a deleterious effect on the gene or gene product (conservation, evolutionary, splicing impact, etc).;The prevalence of the variant in affected individuals is significantly increased compared to the prevalence in controls.;Patient's phenotype or family history is highly specific for a disease with a single genetic etiology.